The following is an entry in ClinVar:

ClinVar aggregate classification (germline): Uncertain significance (1 of 4 stars; one submission).

Submission:

Greenwood Genetic Center Diagnostic Laboratories, Greenwood Genetic Center
Classification: Uncertain significance. Last evaluated: 2023-06-15. Review status: criteria provided, single submitter. Criteria: ACMG Guidelines, 2015. Collection method: clinical testing. Allele origin: germline. Affected: yes.
Comment: PM2

NM_015267.4(CUX2):c.1547C>G (p.Pro516Arg)

Gene: CUX2 (cut like homeobox 2; plus strand). Cytogenetic location: 12q24.12.
Variant type: single nucleotide variant.
Coding change: c.1547C>G on transcript NM_015267.4 (MANE Select); coding-DNA position 1547, C replaced by G.
Protein change: p.Pro516Arg; replaces proline 516 with arginine.
Molecular consequence: missense variant.
Genome position (GRCh38, 1-based): chr12:111,310,329, C>G. VCF-style: chr12-111310329-C-G. GRCh37 (hg19) VCF-style: chr12-111748133-C-G.
Other names: c.1361C>G, p.Pro454Arg (NM_001370598.1); short protein forms P454R, P516R.
Identifiers: ClinVar variation 2572276 (VCV002572276.1), dbSNP rs758831026, ClinGen allele CA386709397.
Genomic context (GRCh38, chr12:111,310,329, plus strand): 5'-CCTTCAAGGGAGAGGCGGGCGGCCTGCTGGTGTTCCCCCCAGCCTTCTATGGCGCCAAGC[C>G]CCCCACAGCCCCTGCCACCCCGGCCCCTGGCCCTGAGCCACTGGGCGGTCCTGAGCCCGC-3'
Protein context (NP_056082.2, residues 506-526): VFPPAFYGAK[Pro516Arg]PTAPATPAPG